The following is an entry in ClinVar:

NM_015686.3(NALF2):c.1329C>T (p.Thr443=)

Gene: NALF2 (NALCN channel auxiliary factor 2; plus strand). Cytogenetic location: Xq13.1.
Variant type: single nucleotide variant.
Coding change: c.1329C>T on transcript NM_015686.3 (MANE Select); coding-DNA position 1329, C replaced by T.
Protein change: p.Thr443=; no amino-acid change (threonine 443 retained).
Molecular consequence: synonymous variant.
Genome position (GRCh38, 1-based): chrX:69,529,866, C>T. VCF-style: chrX-69529866-C-T. GRCh37 (hg19) VCF-style: chrX-68749709-C-T.
Identifiers: ClinVar variation 2660800 (VCV002660800.24), dbSNP rs147419591, ClinGen allele CA10438794.

ClinVar aggregate classification (germline): Likely benign (1 of 4 stars; one submission).

Allele frequency attached by ClinVar (database versions not stated): 1000 Genomes Project 30x 0.00021; 1000 Genomes Project 0.00026; ExAC 0.00037; ESP Exome Variant Server 0.00047; gnomAD 0.00047; TOPMed 0.00049.
gnomAD v4.1: 659 of 1,209,653 alleles (0.054%); highest among the groups gnomAD compares: Non-Finnish European, 0.061%; 1 homozygote.

Submission:

CeGaT Center for Human Genetics Tuebingen
Classification: Likely benign. Last evaluated: 2022-06-01. Review status: criteria provided, single submitter. Criteria: CeGaT Center For Human Genetics Tuebingen Variant Classification Criteria Version 2. Collection method: clinical testing. Allele origin: germline. Affected: yes. Observed: 1 variant allele.
Comment: NALF2: BP4, BP7